The following is an entry in ClinVar:

NM_016156.6(MTMR2):c.1479+1G>A

Gene: MTMR2 (myotubularin related protein 2; minus strand). Cytogenetic location: 11q21.
Variant type: single nucleotide variant.
Coding change: c.1479+1G>A on transcript NM_016156.6 (MANE Select); the canonical splice donor site of the intron after coding-DNA position 1479, G replaced by A.
Molecular consequence: splice donor variant.
Genome position (GRCh38, 1-based): chr11:95,841,616, C>T on the plus strand (G>A on the coding strand, the complement: MTMR2 is on the minus strand). VCF-style: chr11-95841616-C-T. GRCh37 (hg19) VCF-style: chr11-95574780-C-T.
Other names: c.1263+1G>A (NM_201281.3, NM_201278.3, NM_001243571.2).
Identifiers: ClinVar variation 684409 (VCV000684409.17), dbSNP rs1590974546, ClinGen allele CA382418692.

ClinVar aggregate classification (germline): Pathogenic. Review status: criteria provided, single submitter (1 of 4 stars). 2 submissions from 2 submitters: Pathogenic (1). 1 of the submissions does not count toward it. Last evaluated 2019-04-01.

Conditions:
Charcot-Marie-Tooth disease type 4B1. Also called: CHARCOT-MARIE-TOOTH DISEASE, AUTOSOMAL RECESSIVE, WITH FOCALLY FOLDED MYELIN SHEATHS, AUTOSOMAL RECESSIVE, TYPE 4B1; CHARCOT-MARIE-TOOTH DISEASE, TYPE 4B; CHARCOT-MARIE-TOOTH DISEASE, DEMYELINATING, TYPE 4B1; Charcot-Marie-Tooth Neuropathy Type 4B1. Identifiers: Orphanet 99955, MedGen C1832399, MONDO:0011066, OMIM 601382.

Submissions (2):

Cirak Lab, University Hospital Cologne
Classification: Pathogenic for Charcot-Marie-Tooth disease type 4B1. Last evaluated: 2019-04-01. Review status: criteria provided, single submitter. Criteria: ACMG Guidelines, 2015. Collection method: research. Allele origin: inherited. Affected: yes.
Comment: This variant was observed as a homozygote.

Clinical Laboratory Sciences Program (CLSP), King Saud bin Abdulaziz University for Health Sciences (KSAU-HS)
Classification: Pathogenic for Charcot-Marie-Tooth disease type 4B1. Last evaluated: 2023-04-01. Review status: no assertion criteria provided. Collection method: clinical testing. Allele origin: germline. Affected: yes. Not counted in ClinVar's aggregate classification.